The following is an entry in ClinVar:

ClinVar aggregate classification (germline): Benign. Review status: reviewed by expert panel (3 of 4 stars). 34 submissions from 34 submitters: Benign (1). 33 of the submissions do not count toward it. Last evaluated 2024-06-25.

Conditions:
Maffucci syndrome. Also called: MULTIPLE ENCHONDROMATOSIS, MAFFUCCI TYPE; Dyschondrodysplasia with Hemangiomas; Enchondromatosis with Multiple Cavernous Hemangiomas; Hemangiomatosis Chondrodystrophica; Multiple Angiomas and Endochondromas; Kast Syndrome. Identifiers: Orphanet 163634, MedGen C0024454, MONDO:0013808, OMIM 614569.
Chuvash polycythemia. Also called: POLYCYTHEMIA, VHL-DEPENDENT. Identifiers: Orphanet 238557, MedGen C1837915, MONDO:0009892, OMIM 263400.
Von Hippel-Lindau syndrome (VHLS). Also called: von Hippel–Lindau syndrome; VHL syndrome; Von Hippel-Lindau. Identifiers: Orphanet 892, MedGen C0019562, MONDO:0008667, OMIM 193300. Disease mechanism: loss of function.
Hereditary cancer-predisposing syndrome. Also called: Tumor predisposition; Neoplastic Syndromes, Hereditary; Hereditary neoplastic syndrome; Hereditary Cancer Syndrome. Identifiers: Orphanet 140162, MedGen C0027672, MeSH D009386, MONDO:0015356.
Pheochromocytoma. Also called: MAX-Related Hereditary Paraganglioma-Pheochromocytoma Syndrome. Identifiers: Orphanet 29072, MedGen C0031511, MONDO:0008233, OMIM 171300, HP:0002666.
Nonpapillary renal cell carcinoma. Identifiers: Orphanet 422526, MedGen CN074294, MONDO:0007763, OMIM 144700.

Allele frequency attached by ClinVar (database versions not stated): gnomAD exomes 0.00303; gnomAD 0.00254 and 0.00261; 1000 Genomes Project 30x 0.00062; 1000 Genomes Project 0.00040; TOPMed 0.00269; ESP Exome Variant Server 0.00286; ExAC 0.00517.
gnomAD v4.1: 6,920 of 1,539,538 alleles (0.45%); highest among the groups gnomAD compares: Non-Finnish European, 0.54%; 22 homozygotes.

Submissions 1 to 17 of 34:

ClinGen VHL Variant Curation Expert Panel, ClinGen
Classification: Benign for Von Hippel-Lindau syndrome. Last evaluated: 2024-06-25. Review status: reviewed by expert panel. Criteria: ClinGen VHL VCEP ACMG Specifications VHL V1. Collection method: curation. Allele origin: germline. Inheritance: Autosomal dominant inheritance.
Comment: The variant NM_000551.3(VHL):c.74C>T (p.Pro25Leu) in VHL is a missense variant occurring prior to the second start site. The GroupMax Filtering Allele Frequency (95% CI) in gnomAD v4.1.0 is 0.005329 (6211/1141350 from European, Non-Finnish Population). This is higher than the ClinGen VHL VCEP threshold of >=0.000156 (0.0156%) threshold expected for VHL disease (BA1). In summary, this variant meets the criteria to be classified as Benign for autosomal-dominant von Hippel-Lindau disease (VHL disease) based on the ACMG/AMP criteria applied, as specified by the ClinGen VHL VCEP Version 1.0 (Specifications approval date: 02/26/2024. Variant Approval Date 06/25/2024).

CeGaT Center for Human Genetics Tuebingen
Classification: Likely benign. Last evaluated: 2026-09-01. Review status: criteria provided, single submitter. Criteria: CeGaT Center For Human Genetics Tuebingen Variant Classification Criteria Version 2. Collection method: clinical testing. Allele origin: germline. Affected: yes. Observed: 72 variant alleles. Not counted in ClinVar's aggregate classification.
Comment: VHL: BS2

Dasa
Classification: Benign. Last evaluated: 2026-03-03. Review status: criteria provided, single submitter. Criteria: DASA Assertion Criteria. Collection method: clinical testing. Allele origin: germline. Not counted in ClinVar's aggregate classification.
Comment: NM_000551.4(VHL):c.74C>T (p.Pro25Leu) is interpreted as benign based on a combination of available evidence, which may include population frequency, observations in unaffected individuals, intact protein function, lack of segregation with disease, in silico models, amino acid conservation, lack of disease association in case-control studies, and/or inconsistency with the known disease mechanism or impacted region. Based on the available data, this variant is classified as benign.

Labcorp Genetics (formerly Invitae), Labcorp
Classification: Benign for Von Hippel-Lindau syndrome; Chuvash polycythemia. Last evaluated: 2026-02-04. Review status: criteria provided, single submitter. Criteria: Invitae Variant Classification Sherloc (09022015). Collection method: clinical testing. Allele origin: germline. Not counted in ClinVar's aggregate classification.

Mayo Clinic Laboratories, Mayo Clinic
Classification: Likely benign. Last evaluated: 2025-08-14. Review status: criteria provided, single submitter. Criteria: ACMG Guidelines, 2015. Collection method: clinical testing. Allele origin: germline. Observed: 6 variant alleles. Not counted in ClinVar's aggregate classification.
Comment: BS2

Laboratorio de I+D, Fundación Centro Médico de Asturias
Classification: Benign for Hereditary cancer-predisposing syndrome. Last evaluated: 2025-07-14. Review status: criteria provided, single submitter. Criteria: ACMG Guidelines, 2015. Collection method: clinical testing. Allele origin: germline. Not counted in ClinVar's aggregate classification.
Comment: BS1+BS2+BP4_Moderate

Myriad Genetics, Inc.
Classification: Likely benign for Von Hippel-Lindau syndrome. Last evaluated: 2025-06-10. Review status: criteria provided, single submitter. Criteria: Myriad Autosomal Dominant, Autosomal Recessive and X-Linked Classification Criteria (2023). Collection method: clinical testing. Allele origin: unknown. Not counted in ClinVar's aggregate classification.
Comment: This variant is considered likely benign. This variant has been observed at a population frequency that is significantly greater than expected given the associated disease prevalence and penetrance.

Center for Genomic Medicine, Rigshospitalet, Copenhagen University Hospital
Classification: Likely benign. Last evaluated: 2025-03-04. Review status: criteria provided, single submitter. Criteria: ACMG Guidelines, 2015. Collection method: clinical testing. Allele origin: germline. Not counted in ClinVar's aggregate classification.

KCCC/NGS Laboratory, Kuwait Cancer Control Center
Classification: Benign for Von Hippel-Lindau syndrome. Last evaluated: 2025-02-01. Review status: criteria provided, single submitter. Criteria: ACMG Guidelines, 2015. Collection method: clinical testing. Allele origin: germline. Affected: no. Not counted in ClinVar's aggregate classification.

Athena Diagnostics
Classification: Benign. Last evaluated: 2024-12-17. Review status: criteria provided, single submitter. Criteria: Athena Diagnostics Criteria. Collection method: clinical testing. Allele origin: unknown. Not counted in ClinVar's aggregate classification.
Comment: Added studies reporting the variant in unaffected individuals as well as an individual with colon ca. The frequency of this variant in the general population is higher than would generally be expected for pathogenic variants in this gene. Computational tools predict this amino acid change may be benign.

Blueprint Genetics
Classification: Likely benign. Last evaluated: 2024-11-05. Review status: criteria provided, single submitter. Criteria: ACMG Guidelines, 2015. Collection method: clinical testing. Allele origin: germline. Not counted in ClinVar's aggregate classification.

ARUP Laboratories, Molecular Genetics and Genomics, ARUP Laboratories
Classification: Benign. Last evaluated: 2024-08-30. Review status: criteria provided, single submitter. Criteria: ARUP Molecular Germline Variant Investigation Process 2024. Collection method: clinical testing. Allele origin: germline. Not counted in ClinVar's aggregate classification.

Laboratory for Molecular Medicine, Mass General Brigham Personalized Medicine
Classification: Benign. Last evaluated: 2023-07-07. Review status: criteria provided, single submitter. Criteria: ACMG Guidelines, 2015. Collection method: clinical testing. Allele origin: germline. Not counted in ClinVar's aggregate classification.
Comment: The p.Pro25Leu variant in VHL is classified as likely benign because it has been identified in 0.66% (23/3470) of Ashkenazi Jewish chromosomes and 0.45% (304/68032) of European chromosomes by gnomAD. This variant was shown not to segregate with disease in 2 affected individuals from 2 families. Computational prediction tools and conservation analyses suggest that this variant may not impact the protein, though this information is not predictive enough to rule out pathogenicity. ACMG/AMP Criteria applied: BS1, BS4, BP4.

Department of Pathology and Laboratory Medicine, Sinai Health System
Classification: Benign for Nonpapillary renal cell carcinoma; Pheochromocytoma; Von Hippel-Lindau syndrome; Chuvash polycythemia. Last evaluated: 2022-08-09. Review status: criteria provided, single submitter. Criteria: ACMG Guidelines, 2015. Collection method: clinical testing. Allele origin: germline. Affected: yes. Not counted in ClinVar's aggregate classification.

Institute for Clinical Genetics, University Hospital TU Dresden, University Hospital TU Dresden
Classification: Likely benign. Last evaluated: 2021-11-03. Review status: criteria provided, single submitter. Criteria: ACMG Guidelines, 2015. Collection method: clinical testing. Allele origin: germline. Not counted in ClinVar's aggregate classification.

Sema4
Classification: Benign for Hereditary cancer-predisposing syndrome. Last evaluated: 2020-07-21. Review status: criteria provided, single submitter. Criteria: Sema4 Curation Guidelines. Collection method: curation. Allele origin: germline. Not counted in ClinVar's aggregate classification.

Color Diagnostics, LLC DBA Color Health
Classification: Benign for Von Hippel-Lindau syndrome. Last evaluated: 2018-03-23. Review status: criteria provided, single submitter. Criteria: ACMG Guidelines, 2015. Collection method: clinical testing. Allele origin: germline. Not counted in ClinVar's aggregate classification.

NM_000551.4(VHL):c.74C>T (p.Pro25Leu)

Gene: VHL (von Hippel-Lindau tumor suppressor; plus strand). Cytogenetic location: 3p25.3.
Variant type: single nucleotide variant.
Coding change: c.74C>T on transcript NM_000551.4 (MANE Select); coding-DNA position 74, C replaced by T.
Protein change: p.Pro25Leu; replaces proline 25 with leucine.
Molecular consequence: missense variant.
Genome position (GRCh38, 1-based): chr3:10,141,921, C>T. VCF-style: chr3-10141921-C-T. GRCh37 (hg19) VCF-style: chr3-10183605-C-T.
Other names: p.P25L:CCT>CTT; NM_000551.4(VHL):c.74C>T; c.74C>T, p.Pro25Leu (NM_001354723.2, NM_198156.3); c.74C>T (NM_000551.2); short protein forms P25L.
Identifiers: ClinVar variation 93330 (VCV000093330.102), dbSNP rs35460768, ClinGen allele CA020538.
Genomic context (GRCh38, chr3:10,141,921, plus strand): 5'-CGGAGAACTGGGACGAGGCCGAGGTAGGCGCGGAGGAGGCAGGCGTCGAAGAGTACGGCC[C>T]TGAAGAAGACGGCGGGGAGGAGTCGGGCGCCGAGGAGTCCGGCCCGGAAGAGTCCGGCCC-3'
Protein context (NP_000542.1, residues 15-35): AEEAGVEEYG[Pro25Leu]EEDGGEESGA